The following is an entry in ClinVar:

ClinVar aggregate classification (germline): Benign (1 of 4 stars; one submission).

Allele frequency attached by ClinVar (database versions not stated): gnomAD 0.59935 and 0.60517; TOPMed 0.60170; 1000 Genomes Project 30x 0.63023; 1000 Genomes Project 0.63478.
gnomAD v4.1: 91,841 of 151,948 alleles (60%); highest among the groups gnomAD compares: East Asian, 76%; 28,177 homozygotes.

Submission:

GeneDx
Classification: Benign. Last evaluated: 2018-06-19. Review status: criteria provided, single submitter. Criteria: GeneDx Variant Classification (06012015). Collection method: clinical testing. Allele origin: germline. Affected: yes.
Comment: This variant is considered likely benign or benign based on one or more of the following criteria: it is a conservative change, it occurs at a poorly conserved position in the protein, it is predicted to be benign by multiple in silico algorithms, and/or has population frequency not consistent with disease.

NM_001352514.2(HLCS):c.1437+197G>A

Gene: HLCS (holocarboxylase synthetase; minus strand). Cytogenetic location: 21q22.13.
Variant type: single nucleotide variant.
Coding change: c.1437+197G>A on transcript NM_001352514.2 (MANE Select); 197 bases into the intron after coding-DNA position 1437, G replaced by A.
Molecular consequence: intron variant.
Genome position (GRCh38, 1-based): chr21:36,936,252, C>T on the plus strand (G>A on the coding strand, the complement: HLCS is on the minus strand). VCF-style: chr21-36936252-C-T. GRCh37 (hg19) VCF-style: chr21-38308552-C-T.
Other names: c.996+197G>A (NM_001352517.1, NM_001242785.2, NM_001352515.2 and 4 more transcripts).
Identifiers: ClinVar variation 680600 (VCV000680600.1), dbSNP rs2835539, ClinGen allele CA14897765.